The following is an entry in ClinVar:

NM_001370259.2(MEN1):c.553G>C (p.Val185Leu)

Gene: MEN1 (menin 1; minus strand). Cytogenetic location: 11q13.1.
Variant type: single nucleotide variant.
Coding change: c.553G>C on transcript NM_001370259.2 (MANE Select); coding-DNA position 553, G replaced by C.
Protein change: p.Val185Leu; replaces valine 185 with leucine.
Molecular consequence: missense variant. On other transcripts: intron variant (2).
Genome position (GRCh38, 1-based): chr11:64,807,992, C>G on the plus strand (G>C on the coding strand, the complement: MEN1 is on the minus strand). VCF-style: chr11-64807992-C-G. GRCh37 (hg19) VCF-style: chr11-64575464-C-G.
Other names: c.568G>C, p.Val190Leu (NM_000244.4, NM_130800.3, NM_130801.3 and 3 more transcripts); c.553G>C, p.Val185Leu (NM_001370251.2, NM_001370260.2, NM_001370261.2 and 1 more transcripts); c.549+4G>C (NM_001370263.2, NM_001370262.2); short protein forms V185L, V190L.
Identifiers: ClinVar variation 1021520 (VCV001021520.8), dbSNP rs1265797059, ClinGen allele CA381185780.

ClinVar aggregate classification (germline): Uncertain significance (1 of 4 stars; one submission).

Conditions:
Multiple endocrine neoplasia, type 1 (MEN1). Also called: Endocrine adenomatosis multiple; MEN 1; WERMER SYNDROME; MEA I; MEN I. Identifiers: Orphanet 652, MedGen C0025267, MeSH D018761, MONDO:0007540, OMIM 131100.

Submission:

Labcorp Genetics (formerly Invitae), Labcorp
Classification: Uncertain significance for Multiple endocrine neoplasia, type 1. Last evaluated: 2024-04-17. Review status: criteria provided, single submitter. Criteria: Invitae Variant Classification Sherloc (09022015). Collection method: clinical testing. Allele origin: germline.
Comment: This sequence change replaces valine, which is neutral and non-polar, with leucine, which is neutral and non-polar, at codon 185 of the MEN1 protein (p.Val185Leu). This variant is not present in population databases (gnomAD no frequency). This variant has not been reported in the literature in individuals affected with MEN1-related conditions. ClinVar contains an entry for this variant (Variation ID: 1021520). Advanced modeling of protein sequence and biophysical properties (such as structural, functional, and spatial information, amino acid conservation, physicochemical variation, residue mobility, and thermodynamic stability) performed at Invitae indicates that this missense variant is expected to disrupt MEN1 protein function with a positive predictive value of 95%. In summary, the available evidence is currently insufficient to determine the role of this variant in disease. Therefore, it has been classified as a Variant of Uncertain Significance.